The following is an entry in ClinVar:

ClinVar aggregate classification (germline): Benign/Likely benign. Review status: criteria provided, multiple submitters, no conflicts (2 of 4 stars). 6 submissions from 6 submitters: Benign (5); Likely benign (1). Last evaluated 2026-02-01.

Conditions:
X-linked sideroblastic anemia 1. Also called: Erythroid 5-aminolevulinate synthase deficiency; X chromosome-linked sideroblastic anemia; ANEMIA, SIDEROBLASTIC, 1, PYRIDOXINE REFRACTORY; Anemia, sideroblastic, 1; X-linked pyridoxine-refractory sideroblastic anemia; Anemia, hereditary sideroblastic 1, pyridoxine refractory. Identifiers: Orphanet 75563, MedGen C4551511, MONDO:0020721, OMIM 300751. Disease mechanism: loss of function.

Allele frequency attached by ClinVar (database versions not stated): gnomAD exomes 0.00113; ExAC 0.00140; gnomAD 0.00356; TOPMed 0.00401; ESP Exome Variant Server 0.00407; 1000 Genomes Project 0.00636; 1000 Genomes Project 30x 0.00687.
gnomAD v4.1: 864 of 1,209,138 alleles (0.071%); highest among the groups gnomAD compares: African/African-American, 1.2%; 8 homozygotes.

Submissions (6):

Labcorp Genetics (formerly Invitae), Labcorp
Classification: Benign. Last evaluated: 2026-02-01. Review status: criteria provided, single submitter. Criteria: Invitae Variant Classification Sherloc (09022015). Collection method: clinical testing. Allele origin: germline.

Blueprint Genetics
Classification: Likely benign. Last evaluated: 2024-09-24. Review status: criteria provided, single submitter. Criteria: ACMG Guidelines, 2015. Collection method: clinical testing. Allele origin: germline.

Genetic Services Laboratory, University of Chicago
Classification: Benign. Last evaluated: 2019-10-28. Review status: criteria provided, single submitter. Criteria: ACMG Guidelines, 2015. Collection method: clinical testing. Allele origin: germline. Affected: no.

Illumina Laboratory Services, Illumina
Classification: Benign for X-linked sideroblastic anemia 1. Last evaluated: 2018-01-13. Review status: criteria provided, single submitter. Criteria: ICSL Variant Classification Criteria 13 December 2019. Collection method: clinical testing. Allele origin: germline.
Comment: This variant was observed in the ICSL laboratory as part of a predisposition screen in an ostensibly healthy population. It had not been previously curated by ICSL or reported in the Human Gene Mutation Database (HGMD: prior to June 1st, 2018), and was therefore a candidate for classification through an automated scoring system. Utilizing variant allele frequency, disease prevalence and penetrance estimates, and inheritance mode, an automated score was calculated to assess if this variant is too frequent to cause the disease. Based on the score and internal cut-off values, a variant classified as benign is not then subjected to further curation. The score for this variant resulted in a classification of benign for this disease.

GeneDx
Classification: Benign. Last evaluated: 2014-01-18. Review status: criteria provided, single submitter. Criteria: GeneDx Variant Classification (06012015). Collection method: clinical testing. Allele origin: germline. Affected: yes.
Comment: This variant is considered likely benign or benign based on one or more of the following criteria: it is a conservative change, it occurs at a poorly conserved position in the protein, it is predicted to be benign by multiple in silico algorithms, and/or has population frequency not consistent with disease.

Breakthrough Genomics
Classification: Benign. Review status: criteria provided, single submitter. Criteria: ACMG Guidelines, 2015. Collection method: not provided. Allele origin: germline. Inheritance: X-linked inheritance. Affected: yes.

NM_000032.5(ALAS2):c.1167T>G (p.Leu389=)

Gene: ALAS2 (5'-aminolevulinate synthase 2; minus strand). Cytogenetic location: Xp11.21.
Variant type: single nucleotide variant.
Coding change: c.1167T>G on transcript NM_000032.5 (MANE Select); coding-DNA position 1167, T replaced by G.
Protein change: p.Leu389=; no amino-acid change (leucine 389 retained).
Molecular consequence: synonymous variant.
Genome position (GRCh38, 1-based): chrX:55,015,579, A>C on the plus strand (T>G on the coding strand, the complement: ALAS2 is on the minus strand). VCF-style: chrX-55015579-A-C. GRCh37 (hg19) VCF-style: chrX-55042012-A-C.
Other names: p.L389L:CTT>CTG; c.1167T>G, p.Leu389= (LRG_1163t1); c.1056T>G, p.Leu352= (NM_001037967.4); c.1128T>G, p.Leu376= (NM_001037968.4).
Identifiers: ClinVar variation 136354 (VCV000136354.16), dbSNP rs140584437, ClinGen allele CA289378.
Genomic context (GRCh38, chrX:55,015,579, plus strand): 5'-AATTTTGTAAGGGCCTCCTCTCTGGAGGGTATATAAGAAGGCCCAAAGCATTCACTTACC[A>C]AGAGTTCCAGAGATGATGTCAATCTTATGCATAATTCCATCACGCTCCCCAATCCCAGCG-3'
Protein context (NP_000023.2, residues 379-399): MHKIDIISGT[Leu389=]GKAFGCVGGY